The following is an entry in ClinVar:

NM_002476.2(MYL4):c.153C>G (p.Asp51Glu)

Gene: MYL4 (myosin light chain 4; plus strand). Cytogenetic location: 17q21.32.
Variant type: single nucleotide variant.
Coding change: c.153C>G on transcript NM_002476.2 (MANE Select); coding-DNA position 153, C replaced by G.
Protein change: p.Asp51Glu; replaces aspartic acid 51 with glutamic acid.
Molecular consequence: missense variant.
Genome position (GRCh38, 1-based): chr17:47,213,816, C>G. VCF-style: chr17-47213816-C-G. GRCh37 (hg19) VCF-style: chr17-45291182-C-G.
Other names: c.153C>G, p.Asp51Glu (NM_001002841.2); short protein forms D51E.
Identifiers: ClinVar variation 1017440 (VCV001017440.8), dbSNP rs760839785, ClinGen allele CA8622621.
Genomic context (GRCh38, chr17:47,213,816, plus strand): 5'-CTTTTAGCAATCCAAGCCCTCACTACTATTTCCCTCCCTACAGATAGACTTCACTGCCGA[C>G]CAGATTGAAGGTGAGTATGGACAACCCCACCTCTCCGTCTCTATTGCACTTTCCTGGAGG-3'
Protein context (NP_002467.1, residues 41-61): PKSVKIDFTA[Asp51Glu]QIEEFKEAFS

ClinVar aggregate classification (germline): Uncertain significance (1 of 4 stars; one submission).

Conditions:
Atrial fibrillation, familial, 18 (ATFB18). Identifiers: MedGen C4310636, MONDO:0015001, OMIM 617280.

Allele frequency attached by ClinVar (database versions not stated): ExAC 0.00001; gnomAD exomes 0.00001; TOPMed 0.00001.

Submission:

Labcorp Genetics (formerly Invitae), Labcorp
Classification: Uncertain significance for Atrial fibrillation, familial, 18. Last evaluated: 2022-05-27. Review status: criteria provided, single submitter. Criteria: Invitae Variant Classification Sherloc (09022015). Collection method: clinical testing. Allele origin: germline.
Comment: This sequence change replaces aspartic acid, which is acidic and polar, with glutamic acid, which is acidic and polar, at codon 51 of the MYL4 protein (p.Asp51Glu). This variant is present in population databases (rs760839785, gnomAD 0.003%). This variant has not been reported in the literature in individuals affected with MYL4-related conditions. ClinVar contains an entry for this variant (Variation ID: 1017440). Algorithms developed to predict the effect of missense changes on protein structure and function (SIFT, PolyPhen-2, Align-GVGD) all suggest that this variant is likely to be tolerated. In summary, the available evidence is currently insufficient to determine the role of this variant in disease. Therefore, it has been classified as a Variant of Uncertain Significance.